The following is an entry in ClinVar:

NM_002439.5(MSH3):c.1781T>G (p.Leu594Arg)

Gene: MSH3 (mutS homolog 3; plus strand). Cytogenetic location: 5q14.1.
Variant type: single nucleotide variant.
Coding change: c.1781T>G on transcript NM_002439.5 (MANE Select); coding-DNA position 1781, T replaced by G.
Protein change: p.Leu594Arg; replaces leucine 594 with arginine.
Molecular consequence: missense variant.
Genome position (GRCh38, 1-based): chr5:80,761,563, T>G. VCF-style: chr5-80761563-T-G. GRCh37 (hg19) VCF-style: chr5-80057382-T-G.
Other names: short protein forms L594R.
Identifiers: ClinVar variation 3296318 (VCV003296318.1).
Genomic context (GRCh38, chr5:80,761,563, plus strand): 5'-ATTCCTAACATATCTGATTATTGCTATTACTCTTTTCTCACAGGGAAATAAATGCCCGGC[T>G]TGATGCTGTATCGGAAGTTCTCCATTCAGAATCTAGTGTGTTTGGTCAGATAGAAAATCA-3'
Protein context (NP_002430.3, residues 584-604): LLKLREINAR[Leu594Arg]DAVSEVLHSE

ClinVar aggregate classification (germline): Uncertain significance (1 of 4 stars; one submission).

Conditions:
Hereditary cancer-predisposing syndrome. Also called: Tumor predisposition; Hereditary Cancer Syndrome; Hereditary neoplastic syndrome; Neoplastic Syndromes, Hereditary. Identifiers: Orphanet 140162, MedGen C0027672, MeSH D009386, MONDO:0015356.

Submission:

Ambry Genetics
Classification: Uncertain significance for Hereditary cancer-predisposing syndrome. Last evaluated: 2024-06-22. Review status: criteria provided, single submitter. Criteria: Ambry Variant Classification Scheme 2023. Collection method: clinical testing. Allele origin: germline.
Comment: The p.L594R variant (also known as c.1781T>G), located in coding exon 13 of the MSH3 gene, results from a T to G substitution at nucleotide position 1781. The leucine at codon 594 is replaced by arginine, an amino acid with dissimilar properties. This amino acid position is conserved. In addition, this alteration is predicted to be deleterious by in silico analysis. Based on the available evidence, the clinical significance of this variant remains unclear.